The following is an entry in ClinVar:

NM_001371623.1(TCOF1):c.116T>G (p.Phe39Cys)

Gene: TCOF1 (treacle ribosome biogenesis factor 1; plus strand). Cytogenetic location: 5q32.
Variant type: single nucleotide variant.
Coding change: c.116T>G on transcript NM_001371623.1 (MANE Select); coding-DNA position 116, T replaced by G.
Protein change: p.Phe39Cys; replaces phenylalanine 39 with cysteine.
Molecular consequence: missense variant.
Genome position (GRCh38, 1-based): chr5:150,361,163, T>G. VCF-style: chr5-150361163-T-G. GRCh37 (hg19) VCF-style: chr5-149740726-T-G.
Other names: c.116T>G, p.Phe39Cys (NM_001008657.3, NM_001135243.2, NM_001135244.2 and 4 more transcripts); short protein forms F39C.
Identifiers: ClinVar variation 4756058 (VCV004756058.1).
Genomic context (GRCh38, chr5:150,361,163, plus strand): 5'-GGATCCTTACTGTGCTGGGGATTAATTGTGGCTTTCTCTTTACCTCTCTGCAGAAGTGTT[T>G]CCTGGCTCAGCCCGTAACCCTTCTGGACATCTATACACACTGGCAACAGTAAGTGGTGGG-3'
Protein context (NP_001358552.1, residues 29-49): EVKEQSGQKC[Phe39Cys]LAQPVTLLDI

ClinVar aggregate classification (germline): Uncertain significance (1 of 4 stars; one submission).

Submission:

GeneDx
Classification: Uncertain significance. Last evaluated: 2025-08-07. Review status: criteria provided, single submitter. Criteria: GeneDx Variant Classification Process June 2021. Collection method: clinical testing. Allele origin: germline. Affected: yes.
Comment: Not observed at significant frequency in large population cohorts (gnomAD); In silico analysis supports that this missense variant has a deleterious effect on protein structure/function; Has not been previously published as pathogenic or benign to our knowledge